The following is an entry in ClinVar:

ClinVar aggregate classification (germline): Uncertain significance (1 of 4 stars; one submission).

Conditions:
Deficiency of hydroxymethylglutaryl-CoA lyase (HMGCLD). Also called: Defect in leucine metabolism; 3-hydroxy-3-methylglutaric aciduria; HMGCL DEFICIENCY; HYDROXYMETHYLGLUTARIC ACIDURIA; HMG-CoA LYASE DEFICIENCY. Identifiers: Orphanet 20, MedGen C1533587, MONDO:0009520, OMIM 246450.

Allele frequency attached by ClinVar (database versions not stated): gnomAD exomes below 0.00001.
gnomAD v4.1: 1 of 1,614,136 alleles (0.000062%); highest among the groups gnomAD compares: Non-Finnish European, 0.000085%; no homozygotes.

Submission:

Baylor Genetics
Classification: Uncertain significance for Deficiency of hydroxymethylglutaryl-CoA lyase. Last evaluated: 2019-03-28. Review status: criteria provided, single submitter. Criteria: ACMG Guidelines, 2015. Collection method: clinical testing. Allele origin: maternal. Affected: yes.
Comment: This variant was determined to be of uncertain significance according to ACMG Guidelines, 2015 [PMID:25741868].

NM_000191.3(HMGCL):c.437G>A (p.Ser146Asn)

Gene: HMGCL (3-hydroxy-3-methylglutaryl-CoA lyase; minus strand). Cytogenetic location: 1p36.11.
Variant type: single nucleotide variant.
Coding change: c.437G>A on transcript NM_000191.3 (MANE Select); coding-DNA position 437, G replaced by A.
Protein change: p.Ser146Asn; replaces serine 146 with asparagine.
Molecular consequence: missense variant. On other transcripts: intron variant (1).
Genome position (GRCh38, 1-based): chr1:23,814,250, C>T on the plus strand (G>A on the coding strand, the complement: HMGCL is on the minus strand). VCF-style: chr1-23814250-C-T. GRCh37 (hg19) VCF-style: chr1-24140740-C-T.
Other names: c.348+2425G>A (NM_001166059.2); short protein forms S146N.
Identifiers: ClinVar variation 1030660 (VCV001030660.1), dbSNP rs1638574066, ClinGen allele CA339027250.